The following is an entry in ClinVar:

NM_001563.4(IMPG1):c.1269C>A (p.Asp423Glu)

Gene: IMPG1 (interphotoreceptor matrix proteoglycan 1; minus strand). Cytogenetic location: 6q14.1.
Variant type: single nucleotide variant.
Coding change: c.1269C>A on transcript NM_001563.4 (MANE Select); coding-DNA position 1269, C replaced by A.
Protein change: p.Asp423Glu; replaces aspartic acid 423 with glutamic acid.
Molecular consequence: missense variant.
Genome position (GRCh38, 1-based): chr6:76,002,940, G>T on the plus strand (C>A on the coding strand, the complement: IMPG1 is on the minus strand). VCF-style: chr6-76002940-G-T. GRCh37 (hg19) VCF-style: chr6-76712657-G-T.
Other names: c.1035C>A, p.Asp345Glu (NM_001282368.2); short protein forms D345E, D423E.
Identifiers: ClinVar variation 1000102 (VCV001000102.8), dbSNP rs758038128, ClinGen allele CA3898168.

ClinVar aggregate classification (germline): Uncertain significance (1 of 4 stars; one submission).

gnomAD v4.1: 1 of 1,613,386 alleles (0.000062%); highest among the groups gnomAD compares: Non-Finnish European, 0.000085%; no homozygotes.

Submission:

Labcorp Genetics (formerly Invitae), Labcorp
Classification: Uncertain significance. Last evaluated: 2020-08-28. Review status: criteria provided, single submitter. Criteria: Invitae Variant Classification Sherloc (09022015). Collection method: clinical testing. Allele origin: germline.
Comment: This sequence change replaces aspartic acid with glutamic acid at codon 423 of the IMPG1 protein (p.Asp423Glu). The aspartic acid residue is moderately conserved and there is a small physicochemical difference between aspartic acid and glutamic acid. This variant is present in population databases (rs758038128, ExAC 0.002%). This variant has not been reported in the literature in individuals with IMPG1-related conditions. Algorithms developed to predict the effect of missense changes on protein structure and function output the following: SIFT: "Tolerated"; PolyPhen-2: "Benign"; Align-GVGD: "Class C0". The glutamic acid amino acid residue is found in multiple mammalian species, suggesting that this missense change does not adversely affect protein function. These predictions have not been confirmed by published functional studies and their clinical significance is uncertain. In summary, the available evidence is currently insufficient to determine the role of this variant in disease. Therefore, it has been classified as a Variant of Uncertain Significance.